The following is an entry in ClinVar:

ClinVar aggregate classification (germline): Conflicting classifications of pathogenicity. Review status: criteria provided, conflicting classifications (1 of 4 stars). 3 submissions from 3 submitters: Likely pathogenic (1); Uncertain significance (2). Last evaluated 2025-06-30.

Conditions:
Hypertrophic cardiomyopathy. Also called: HYPERTROPHIC MYOCARDIOPATHY. Identifiers: Orphanet 217569, MedGen C0007194, MeSH D002312, MONDO:0005045, HP:0001639.
Cardiovascular phenotype. Identifiers: MedGen CN230736.

Submissions (3):

GeneDx
Classification: Likely pathogenic. Last evaluated: 2025-06-30. Review status: criteria provided, single submitter. Criteria: GeneDx Variant Classification Process June 2021. Collection method: clinical testing. Allele origin: germline.
Comment: Not observed at significant frequency in large population cohorts (gnomAD); In silico analysis supports that this missense variant has a deleterious effect on protein structure/function; This variant is associated with the following publications: (PMID: 30165862, 27532257, 29300372)

Ambry Genetics
Classification: Uncertain significance for Cardiovascular phenotype. Last evaluated: 2025-02-19. Review status: criteria provided, single submitter. Criteria: Ambry Variant Classification Scheme 2023. Collection method: clinical testing. Allele origin: germline.
Comment: The p.Y422C variant (also known as c.1265A>G), located in coding exon 12 of the MYH7 gene, results from an A to G substitution at nucleotide position 1265. The tyrosine at codon 422 is replaced by cysteine, an amino acid with highly dissimilar properties. This alteration is located in the myosin head domain, which contains a statistically significant clustering of pathogenic missense variants (Homburger JR et al. Proc Natl Acad Sci U S A, 2016 06;113:6701-6; Walsh R et al. Genet Med, 2017 02;19:192-203; Ambry internal data). This variant was reported in individual(s) with features consistent with restrictive cardiomyopathy (Lu C et al. J Transl Med. 2018 Aug;16(1):241). This amino acid position is well conserved in available vertebrate species. In addition, the in silico prediction for this alteration is inconclusive. Based on the available evidence, the clinical significance of this variant remains unclear.

Labcorp Genetics (formerly Invitae), Labcorp
Classification: Uncertain significance for Hypertrophic cardiomyopathy. Last evaluated: 2022-07-11. Review status: criteria provided, single submitter. Criteria: Invitae Variant Classification Sherloc (09022015). Collection method: clinical testing. Allele origin: germline.
Comment: In summary, the available evidence is currently insufficient to determine the role of this variant in disease. Therefore, it has been classified as a Variant of Uncertain Significance. This variant is found within a region of MYH7 between codons 181 and 937 that contains the majority of the myosin head domain. Missense variants in this region have been shown to be significantly overrepresented in individuals with hypertrophic cardiomyopathy (PMID: 27532257). Algorithms developed to predict the effect of missense changes on protein structure and function are either unavailable or do not agree on the potential impact of this missense change (SIFT: "Deleterious"; PolyPhen-2: "Probably Damaging"; Align-GVGD: "Class C0"). ClinVar contains an entry for this variant (Variation ID: 845354). This missense change has been observed in individual(s) with restrictive cardiomyopathy (PMID: 30165862). This variant is not present in population databases (gnomAD no frequency). This sequence change replaces tyrosine, which is neutral and polar, with cysteine, which is neutral and slightly polar, at codon 422 of the MYH7 protein (p.Tyr422Cys).

Literature cited by the submitters: PubMed 30165862 (cited by Ambry Genetics and Labcorp Genetics (formerly Invitae), Labcorp); PubMed 27532257 (cited by Labcorp Genetics (formerly Invitae), Labcorp).

NM_000257.4(MYH7):c.1265A>G (p.Tyr422Cys)

Gene: MYH7 (myosin heavy chain 7; minus strand). Cytogenetic location: 14q11.2.
Variant type: single nucleotide variant.
Coding change: c.1265A>G on transcript NM_000257.4 (MANE Select); coding-DNA position 1265, A replaced by G.
Protein change: p.Tyr422Cys; replaces tyrosine 422 with cysteine.
Molecular consequence: missense variant.
Genome position (GRCh38, 1-based): chr14:23,429,097, T>C on the plus strand (A>G on the coding strand, the complement: MYH7 is on the minus strand). VCF-style: chr14-23429097-T-C. GRCh37 (hg19) VCF-style: chr14-23898306-T-C.
Other names: c.1265A>G (NM_000257.2); short protein forms Y422C.
Identifiers: ClinVar variation 845354 (VCV000845354.12), dbSNP rs1892816286, ClinGen allele CA389050989.